The following is an entry in ClinVar:

NM_001364905.1(LRBA):c.4037A>G (p.Asn1346Ser)

Gene: LRBA (LPS responsive beige-like anchor protein; minus strand). Cytogenetic location: 4q31.3.
Variant type: single nucleotide variant.
Coding change: c.4037A>G on transcript NM_001364905.1 (MANE Select); coding-DNA position 4037, A replaced by G.
Protein change: p.Asn1346Ser; replaces asparagine 1346 with serine.
Molecular consequence: missense variant.
Genome position (GRCh38, 1-based): chr4:150,849,543, T>C on the plus strand (A>G on the coding strand, the complement: LRBA is on the minus strand). VCF-style: chr4-150849543-T-C. GRCh37 (hg19) VCF-style: chr4-151770695-T-C.
Other names: c.4037A>G, p.Asn1346Ser (NM_001199282.3, NM_001367550.1, NM_006726.5); short protein forms N1346S.
Identifiers: ClinVar variation 1373314 (VCV001373314.8), dbSNP rs2126909037, ClinGen allele CA358454257.

ClinVar aggregate classification (germline): Uncertain significance (1 of 4 stars; one submission).

Conditions:
Combined immunodeficiency due to LRBA deficiency. Also called: Common variable immunodeficiency 8, with autoimmunity. Identifiers: Orphanet 445018, MedGen C3553512, MONDO:0013863, OMIM 614700.

Allele frequency attached by ClinVar (database versions not stated): gnomAD exomes below 0.00001.
gnomAD v4.1: 2 of 1,613,392 alleles (0.00012%); highest among the groups gnomAD compares: Non-Finnish European, 0.00017%; no homozygotes.

Submission:

Labcorp Genetics (formerly Invitae), Labcorp
Classification: Uncertain significance for Combined immunodeficiency due to LRBA deficiency. Last evaluated: 2021-02-17. Review status: criteria provided, single submitter. Criteria: Invitae Variant Classification Sherloc (09022015). Collection method: clinical testing. Allele origin: germline.
Comment: In summary, the available evidence is currently insufficient to determine the role of this variant in disease. Therefore, it has been classified as a Variant of Uncertain Significance. Algorithms developed to predict the effect of missense changes on protein structure and function are either unavailable or do not agree on the potential impact of this missense change (SIFT: "Tolerated"; PolyPhen-2: "Probably Damaging"; Align-GVGD: "Class C0"). This variant has not been reported in the literature in individuals with LRBA-related conditions. This variant is not present in population databases (ExAC no frequency). This sequence change replaces asparagine with serine at codon 1346 of the LRBA protein (p.Asn1346Ser). The asparagine residue is moderately conserved and there is a small physicochemical difference between asparagine and serine.